The following is an entry in ClinVar:

ClinVar aggregate classification (germline): Uncertain significance (1 of 4 stars; one submission).

Conditions:
Curry-Hall syndrome (WAD). Also called: WEYERS ACRODENTAL DYSOSTOSIS. Identifiers: Orphanet 952, MedGen C0457013, MONDO:0008673, OMIM 193530.
Ellis-van Creveld syndrome (EVC). Also called: EVC2-Related Ellis-van Creveld Syndrome; EVC-Related Ellis-van Creveld Syndrome; Chondroectodermal dysplasia; MESOECTODERMAL DYSPLASIA. Identifiers: Orphanet 289, MedGen C0013903, MONDO:0009162, OMIM 225500.

Allele frequency attached by ClinVar (database versions not stated): TOPMed 0.00004; gnomAD 0.00007; ESP Exome Variant Server 0.00008.

Submission:

Labcorp Genetics (formerly Invitae), Labcorp
Classification: Uncertain significance for Curry-Hall syndrome; Ellis-van Creveld syndrome. Last evaluated: 2024-11-05. Review status: criteria provided, single submitter. Criteria: Invitae Variant Classification Sherloc (09022015). Collection method: clinical testing. Allele origin: germline.
Comment: This sequence change replaces aspartic acid, which is acidic and polar, with asparagine, which is neutral and polar, at codon 171 of the EVC protein (p.Asp171Asn). This variant is present in population databases (rs199904401, gnomAD 0.02%). This variant has not been reported in the literature in individuals affected with EVC-related conditions. ClinVar contains an entry for this variant (Variation ID: 2083874). Invitae Evidence Modeling of protein sequence and biophysical properties (such as structural, functional, and spatial information, amino acid conservation, physicochemical variation, residue mobility, and thermodynamic stability) indicates that this missense variant is not expected to disrupt EVC protein function with a negative predictive value of 95%. In summary, the available evidence is currently insufficient to determine the role of this variant in disease. Therefore, it has been classified as a Variant of Uncertain Significance.

NM_153717.3(EVC):c.511G>A (p.Asp171Asn)

Gene: EVC (EvC ciliary complex subunit 1; plus strand). Cytogenetic location: 4p16.2.
Variant type: single nucleotide variant.
Coding change: c.511G>A on transcript NM_153717.3 (MANE Select); coding-DNA position 511, G replaced by A.
Protein change: p.Asp171Asn; replaces aspartic acid 171 with asparagine.
Molecular consequence: missense variant.
Genome position (GRCh38, 1-based): chr4:5,731,551, G>A. VCF-style: chr4-5731551-G-A. GRCh37 (hg19) VCF-style: chr4-5733278-G-A.
Other names: c.511G>A, p.Asp171Asn (NM_001306090.2, NM_001306092.2); short protein forms D171N.
Identifiers: ClinVar variation 2083874 (VCV002083874.2), dbSNP rs199904401, ClinGen allele CA2835721.
Genomic context (GRCh38, chr4:5,731,551, plus strand): 5'-CAGCCGGTAGAGGCCTCTCCTTCCAGCAGTCTGGGGAGCCTGAGCCAGGGTGAGAAGGAC[G>A]ACTGCAGCTCCTCATCCAGCGTCCACTCGGCCACCAGCGATGACAGGTTTCTCAGCCGCA-3'
Protein context (NP_714928.1, residues 161-181): LGSLSQGEKD[Asp171Asn]CSSSSSVHSA